The following is an entry in ClinVar:

NM_002382.5(MAX):c.241C>T (p.His81Tyr)

Gene: MAX (MYC associated transcriptional regulator X; minus strand). Cytogenetic location: 14q23.3.
Variant type: single nucleotide variant.
Coding change: c.241C>T on transcript NM_002382.5 (MANE Select); coding-DNA position 241, C replaced by T.
Protein change: p.His81Tyr; replaces histidine 81 with tyrosine.
Molecular consequence: missense variant. On other transcripts: 5 prime UTR variant (1), intron variant (2).
Genome position (GRCh38, 1-based): chr14:65,077,967, G>A on the plus strand (C>T on the coding strand, the complement: MAX is on the minus strand). VCF-style: chr14-65077967-G-A. GRCh37 (hg19) VCF-style: chr14-65544685-G-A.
Other names: c.-34C>T (NM_001320415.2, NM_001407105.1, NM_001407106.1 and 1 more transcripts); c.241C>T, p.His81Tyr (NM_001407094.1, NM_001407096.1, NM_001407097.1 and 3 more transcripts); c.214C>T, p.His72Tyr (NM_001407095.1, NM_001407099.1, NM_001407100.1 and 6 more transcripts); c.133C>T, p.His45Tyr (NM_001407098.1); c.-127C>T (NM_001407111.1, NM_001407112.1); c.144+15741C>T (NM_001271069.2); c.171+15741C>T (NM_197957.4); short protein forms H45Y, H72Y, H81Y.
Identifiers: ClinVar variation 1790998 (VCV001790998.4), dbSNP rs1485256920, ClinGen allele CA390035625.

ClinVar aggregate classification (germline): Uncertain significance. Review status: criteria provided, multiple submitters, no conflicts (2 of 4 stars). 2 submissions from 2 submitters: Uncertain significance (2). Last evaluated 2024-09-14.

Conditions:
Hereditary cancer-predisposing syndrome. Also called: Tumor predisposition; Hereditary Cancer Syndrome; Hereditary neoplastic syndrome; Neoplastic Syndromes, Hereditary. Identifiers: Orphanet 140162, MedGen C0027672, MeSH D009386, MONDO:0015356.
Hereditary pheochromocytoma and paraganglioma. Also called: Hereditary paragangliomas and pheochromocytomas; Hereditary Paraganglioma-Pheochromocytoma Syndromes; Hereditary pheochromocytoma-paraganglioma. Identifiers: Orphanet 29072, MedGen C4274332, MONDO:0017366.

Submissions (2):

Labcorp Genetics (formerly Invitae), Labcorp
Classification: Uncertain significance for Hereditary pheochromocytoma and paraganglioma. Last evaluated: 2024-09-14. Review status: criteria provided, single submitter. Criteria: Invitae Variant Classification Sherloc (09022015). Collection method: clinical testing. Allele origin: germline.
Comment: This sequence change replaces histidine, which is basic and polar, with tyrosine, which is neutral and polar, at codon 81 of the MAX protein (p.His81Tyr). This variant is not present in population databases (gnomAD no frequency). This variant has not been reported in the literature in individuals affected with MAX-related conditions. ClinVar contains an entry for this variant (Variation ID: 1790998). An algorithm developed to predict the effect of missense changes on protein structure and function (PolyPhen-2) suggests that this variant is likely to be disruptive. In summary, the available evidence is currently insufficient to determine the role of this variant in disease. Therefore, it has been classified as a Variant of Uncertain Significance.

Ambry Genetics
Classification: Uncertain significance for Hereditary cancer-predisposing syndrome. Last evaluated: 2021-05-26. Review status: criteria provided, single submitter. Criteria: Ambry Variant Classification Scheme 2023. Collection method: clinical testing. Allele origin: germline.
Comment: The p.H81Y variant (also known as c.241C>T), located in coding exon 4 of the MAX gene, results from a C to T substitution at nucleotide position 241. The histidine at codon 81 is replaced by tyrosine, an amino acid with similar properties. This amino acid position is highly conserved in available vertebrate species. In addition, this alteration is predicted to be deleterious by in silico analysis. Since supporting evidence is limited at this time, the clinical significance of this alteration remains unclear.